The following is an entry in ClinVar:

NM_001457.4(FLNB):c.4897G>A (p.Glu1633Lys)

Gene: FLNB (filamin B; plus strand). Cytogenetic location: 3p14.3.
Variant type: single nucleotide variant.
Coding change: c.4897G>A on transcript NM_001457.4 (MANE Select); coding-DNA position 4897, G replaced by A.
Protein change: p.Glu1633Lys; replaces glutamic acid 1633 with lysine.
Molecular consequence: missense variant.
Genome position (GRCh38, 1-based): chr3:58,138,317, G>A. VCF-style: chr3-58138317-G-A. GRCh37 (hg19) VCF-style: chr3-58124044-G-A.
Other names: c.4990G>A, p.Glu1664Lys (NM_001164317.2); c.4897G>A, p.Glu1633Lys (NM_001164318.2, NM_001164319.2); short protein forms E1633K, E1664K.
Identifiers: ClinVar variation 4782007 (VCV004782007.1).

ClinVar aggregate classification (germline): Uncertain significance (1 of 4 stars; one submission).

gnomAD v4.1: 8 of 1,614,102 alleles (0.0005%); highest among the groups gnomAD compares: Non-Finnish European, 0.00059%; no homozygotes.

Submission:

Labcorp Genetics (formerly Invitae), Labcorp
Classification: Uncertain significance. Last evaluated: 2026-01-13. Review status: criteria provided, single submitter. Criteria: Invitae Variant Classification Sherloc (09022015). Collection method: clinical testing. Allele origin: germline.
Comment: This sequence change replaces glutamic acid, which is acidic and polar, with lysine, which is basic and polar, at codon 1633 of the FLNB protein (p.Glu1633Lys). This variant is present in population databases (rs778264831, gnomAD 0.0009%). This variant has not been reported in the literature in individuals affected with FLNB-related conditions. Invitae Evidence Modeling of protein sequence and biophysical properties (such as structural, functional, and spatial information, amino acid conservation, physicochemical variation, residue mobility, and thermodynamic stability) indicates that this missense variant is not expected to disrupt FLNB protein function with a negative predictive value of 95%. In summary, the available evidence is currently insufficient to determine the role of this variant in disease. Therefore, it has been classified as a Variant of Uncertain Significance.